The following is an entry in ClinVar:

ClinVar aggregate classification (germline): Benign (0 of 4 stars; one submission).

Conditions:
AURKA-related disorder. Also called: AURKA-related condition.

Allele frequency attached by ClinVar (database versions not stated): 1000 Genomes Project 30x 0.00765; 1000 Genomes Project 0.00779; TOPMed 0.01200; gnomAD 0.01633; ESP Exome Variant Server 0.01645; ExAC 0.01836.
gnomAD v4.1: 33,974 of 1,612,342 alleles (2.1%); highest among the groups gnomAD compares: Non-Finnish European, 2.3%; 484 homozygotes.

Submission:

PreventionGenetics, part of Exact Sciences
Classification: Benign for AURKA-related condition. Last evaluated: 2019-10-07. Review status: no assertion criteria provided. Collection method: clinical testing. Allele origin: germline.
Comment: This variant is classified as benign based on ACMG/AMP sequence variant interpretation guidelines (Richards et al. 2015 PMID: 25741868, with internal and published modifications).

NM_198437.3(AURKA):c.*3A>C

Gene: AURKA (aurora kinase A; minus strand). Cytogenetic location: 20q13.2.
Variant type: single nucleotide variant.
Coding change: c.*3A>C on transcript NM_198437.3 (MANE Select); 3 bases downstream of the stop codon, A replaced by C.
Molecular consequence: 3 prime UTR variant.
Genome position (GRCh38, 1-based): chr20:56,370,155, T>G on the plus strand (A>C on the coding strand, the complement: AURKA is on the minus strand). VCF-style: chr20-56370155-T-G. GRCh37 (hg19) VCF-style: chr20-54945211-T-G.
Other names: c.*3A>C (NM_001323303.2, NM_001323304.2, NM_001323305.2 and 9 more transcripts).
Identifiers: ClinVar variation 3037417 (VCV003037417.2), dbSNP rs34361943, ClinGen allele CA9917272.